The following is an entry in ClinVar:

NM_000156.6(GAMT):c.607C>T (p.Arg203Trp)

Gene: GAMT (guanidinoacetate N-methyltransferase; minus strand). Cytogenetic location: 19p13.3.
Variant type: single nucleotide variant.
Coding change: c.607C>T on transcript NM_000156.6 (MANE Select); coding-DNA position 607, C replaced by T.
Protein change: p.Arg203Trp; replaces arginine 203 with tryptophan.
Molecular consequence: missense variant.
Genome position (GRCh38, 1-based): chr19:1,397,463, G>A on the plus strand (C>T on the coding strand, the complement: GAMT is on the minus strand). VCF-style: chr19-1397463-G-A. GRCh37 (hg19) VCF-style: chr19-1397462-G-A.
Other names: short protein forms R203W.
Identifiers: ClinVar variation 449622 (VCV000449622.33), dbSNP rs746633494, ClinGen allele CA9043560.

ClinVar aggregate classification (germline): Uncertain significance. Review status: criteria provided, multiple submitters, no conflicts (2 of 4 stars). 4 submissions from 4 submitters: Uncertain significance (3). 1 of the submissions does not count toward it. Last evaluated 2025-10-02.

Conditions:
Cerebral creatine deficiency syndrome. Also called: Creatine deficiency syndromes. Identifiers: Orphanet 79172, MedGen C5244016, MONDO:0000456.
Deficiency of guanidinoacetate methyltransferase (CCDS2). Also called: GAMT DEFICIENCY; CEREBRAL CREATINE DEFICIENCY SYNDROME 2; Guanidinoacetate Methyltransferase (GAMT) Deficiency. Identifiers: Orphanet 382, MedGen C0574080, MONDO:0012999, OMIM 612736.

Allele frequency attached by ClinVar (database versions not stated): gnomAD 0.00001; TOPMed 0.00001.
gnomAD v4.1: 38 of 1,608,584 alleles (0.0024%); highest among the groups gnomAD compares: Middle Eastern, 0.016%; no homozygotes.

Submissions (4):

Labcorp Genetics (formerly Invitae), Labcorp
Classification: Uncertain significance for Cerebral creatine deficiency syndrome. Last evaluated: 2025-10-02. Review status: criteria provided, single submitter. Criteria: Invitae Variant Classification Sherloc (09022015). Collection method: clinical testing. Allele origin: germline.
Comment: This sequence change replaces arginine, which is basic and polar, with tryptophan, which is neutral and slightly polar, at codon 203 of the GAMT protein (p.Arg203Trp). This variant is present in population databases (rs746633494, gnomAD 0.01%). This variant has not been reported in the literature in individuals affected with GAMT-related conditions. ClinVar contains an entry for this variant (Variation ID: 449622). Invitae Evidence Modeling of protein sequence and biophysical properties (such as structural, functional, and spatial information, amino acid conservation, physicochemical variation, residue mobility, and thermodynamic stability) indicates that this missense variant is not expected to disrupt GAMT protein function with a negative predictive value of 95%. In summary, the available evidence is currently insufficient to determine the role of this variant in disease. Therefore, it has been classified as a Variant of Uncertain Significance.

GeneDx
Classification: Uncertain significance. Last evaluated: 2022-11-22. Review status: criteria provided, single submitter. Criteria: GeneDx Variant Classification Process June 2021. Collection method: clinical testing. Allele origin: germline. Affected: yes.
Comment: Reported as a heterozygous variant in an individual with intellectual disability in published literature; however, additional clinical information was not provided (Redin et al., 2014); Not observed at significant frequency in large population cohorts (gnomAD); In silico analysis supports that this missense variant has a deleterious effect on protein structure/function; This variant is associated with the following publications: (PMID: 25167861)

CeGaT Center for Human Genetics Tuebingen
Classification: Uncertain significance. Last evaluated: 2022-07-01. Review status: criteria provided, single submitter. Criteria: CeGaT Center For Human Genetics Tuebingen Variant Classification Criteria Version 2. Collection method: clinical testing. Allele origin: germline. Affected: yes. Observed: 1 variant allele.
Comment: GAMT: PM2, BP4

Natera, Inc.
Classification: Uncertain significance for Guanidinoacetate methyltransferase deficiency. Last evaluated: 2019-10-28. Review status: no assertion criteria provided. Collection method: clinical testing. Allele origin: germline. Not counted in ClinVar's aggregate classification.